The following is an entry in ClinVar:

NM_001164688.2(RD3):c.494A>C (p.Asp165Ala)

Gene: RD3 (RD3 regulator of GUCY2D; minus strand). Cytogenetic location: 1q32.3.
Variant type: single nucleotide variant.
Coding change: c.494A>C on transcript NM_001164688.2 (MANE Select); coding-DNA position 494, A replaced by C.
Protein change: p.Asp165Ala; replaces aspartic acid 165 with alanine.
Molecular consequence: missense variant.
Genome position (GRCh38, 1-based): chr1:211,479,130, T>G on the plus strand (A>C on the coding strand, the complement: RD3 is on the minus strand). VCF-style: chr1-211479130-T-G. GRCh37 (hg19) VCF-style: chr1-211652472-T-G.
Other names: c.494A>C, p.Asp165Ala (NM_183059.3); short protein forms D165A.
Identifiers: ClinVar variation 767424 (VCV000767424.23), dbSNP rs149051185, ClinGen allele CA1381057.

ClinVar aggregate classification (germline): Conflicting classifications of pathogenicity. Review status: criteria provided, conflicting classifications (1 of 4 stars). 4 submissions from 4 submitters: Uncertain significance (2); Likely benign (2). Last evaluated 2026-02-02.

Conditions:
Leber congenital amaurosis 12 (LCA12). Identifiers: Orphanet 65, MedGen C1857743, MONDO:0012525, OMIM 610612.

Allele frequency attached by ClinVar (database versions not stated): gnomAD exomes 0.00014 and 0.00033; ExAC 0.00040; 1000 Genomes Project 0.00080; 1000 Genomes Project 30x 0.00094; ESP Exome Variant Server 0.00115; gnomAD 0.00142 and 0.00158; TOPMed 0.00167.
gnomAD v4.1: 427 of 1,612,732 alleles (0.026%); highest among the groups gnomAD compares: African/African-American, 0.53%; no homozygotes.

Submissions (4):

Labcorp Genetics (formerly Invitae), Labcorp
Classification: Likely benign for Leber congenital amaurosis 12. Last evaluated: 2026-02-02. Review status: criteria provided, single submitter. Criteria: Invitae Variant Classification Sherloc (09022015). Collection method: clinical testing. Allele origin: germline.

Blueprint Genetics
Classification: Likely benign. Last evaluated: 2024-03-13. Review status: criteria provided, single submitter. Criteria: ACMG Guidelines, 2015. Collection method: clinical testing. Allele origin: germline.

ARUP Laboratories, Molecular Genetics and Genomics, ARUP Laboratories
Classification: Uncertain significance for Leber congenital amaurosis 12. Last evaluated: 2018-12-12. Review status: criteria provided, single submitter. Criteria: ARUP Molecular Germline Variant Investigation Process. Collection method: clinical testing. Allele origin: germline.
Comment: The RD3 c.494A>C; p.Asp165Ala variant (rs149051185), to our knowledge, is not reported in the medical literature or gene-specific databases. The variant is reported in the African population with an overall allele frequency of 0.5% (126/24230 alleles) in the Genome Aggregation Database. The amino acid at this position is highly conserved and computational analysis (PolyPhen-2, SIFT) predict this variant is deleterious. Considering available information, this clinical significance of this variant cannot be determined with certainty.

Illumina Laboratory Services, Illumina
Classification: Uncertain significance for Leber congenital amaurosis 12. Last evaluated: 2018-01-12. Review status: criteria provided, single submitter. Criteria: ICSL Variant Classification Criteria 13 December 2019. Collection method: clinical testing. Allele origin: germline.